The following is an entry in ClinVar:

ClinVar aggregate classification (germline): Pathogenic (1 of 4 stars; one submission).

Conditions:
Hereditary cancer-predisposing syndrome. Also called: Neoplastic Syndromes, Hereditary; Tumor predisposition; Hereditary Cancer Syndrome; Hereditary neoplastic syndrome. Identifiers: Orphanet 140162, MedGen C0027672, MeSH D009386, MONDO:0015356.

Submission:

Ambry Genetics
Classification: Pathogenic for Hereditary cancer-predisposing syndrome. Last evaluated: 2024-11-04. Review status: criteria provided, single submitter. Criteria: Ambry Variant Classification Scheme 2023. Collection method: clinical testing. Allele origin: germline.
Comment: The c.1452_1457delTACGGAins11 variant, located in coding exon 11 of the PMS2 gene, results from the deletion of 6 nucleotides and insertion of 11 nucleotides (AGTCACGGACC) causing a translational frameshift with a predicted alternate stop codon (p.T485Vfs*112). This alteration is expected to result in loss of function by premature protein truncation or nonsense-mediated mRNA decay. As such, this alteration is interpreted as a disease-causing mutation.

NM_000535.7(PMS2):c.1452_1457delinsAGTCACGGACC (p.Thr485fs)

Gene: PMS2 (PMS1 homolog 2, mismatch repair system component; minus strand). Cytogenetic location: 7p22.1.
Variant type: Indel.
Coding change: c.1452_1457delinsAGTCACGGACC on transcript NM_000535.7 (MANE Select); coding-DNA positions 1452 to 1457, TACGGA replaced by AGTCACGGACC.
Protein change: p.Thr485fs; shifts the reading frame from threonine 485.
Molecular consequence: frameshift variant. On other transcripts: non-coding transcript variant (1), intron variant (1).
Genome position (GRCh38, 1-based): chr7:5,987,308-5,987,313, TCCGTA replaced by GGTCCGTGACT on the plus strand (TACGGA replaced by AGTCACGGACC on the coding strand, the reverse complement: PMS2 is on the minus strand). VCF-style: chr7-5987308-TCCGTA-GGTCCGTGACT. GRCh37 (hg19) VCF-style: chr7-6026939-TCCGTA-GGTCCGTGACT.
Other names: c.1047_1052delinsAGTCACGGACC, p.Thr350fs (NM_001322005.2, NM_001322009.2, NM_001406887.1 and 16 more transcripts); c.1296_1301delinsAGTCACGGACC, p.Thr433fs (NM_001322006.2, NM_001406870.1); c.1134_1139delinsAGTCACGGACC, p.Thr379fs (NM_001322007.2, NM_001322008.2, NM_001406876.1 and 2 more transcripts); c.891_896delinsAGTCACGGACC, p.Thr298fs (NM_001322010.2, NM_001406906.1, NM_001406907.1); c.519_524delinsAGTCACGGACC, p.Thr174fs (NM_001322011.2, NM_001322012.2); c.879_884delinsAGTCACGGACC, p.Thr294fs (NM_001322013.2, NM_001406909.1); c.1452_1457delinsAGTCACGGACC, p.Thr485fs (NM_001322014.2, NM_001406871.1, NM_001406872.1); c.1143_1148delinsAGTCACGGACC, p.Thr382fs (NM_001322015.2, NM_001406875.1, NM_001406877.1 and 5 more transcripts); and 13 more; short protein forms T174fs, T228fs, T373fs, T377fs, T382fs, T433fs, T449fs, T330fs.
Identifiers: ClinVar variation 3421531 (VCV003421531.1).